The following is an entry in ClinVar:

ClinVar aggregate classification (germline): Uncertain significance (1 of 4 stars; one submission).

Conditions:
Brugada syndrome 5 (BRGDA5). Identifiers: Orphanet 130, Orphanet 871, MedGen C2748541, MONDO:0013015, OMIM 612838.

Allele frequency attached by ClinVar (database versions not stated): ExAC 0.00001; gnomAD 0.00001; TOPMed 0.00001.

Submission:

Labcorp Genetics (formerly Invitae), Labcorp
Classification: Uncertain significance for Brugada syndrome 5. Last evaluated: 2020-08-27. Review status: criteria provided, single submitter. Criteria: Invitae Variant Classification Sherloc (09022015). Collection method: clinical testing. Allele origin: germline.
Comment: In summary, the available evidence is currently insufficient to determine the role of this variant in disease. Therefore, it has been classified as a Variant of Uncertain Significance. Algorithms developed to predict the effect of missense changes on protein structure and function are either unavailable or do not agree on the potential impact of this missense change (SIFT: "Deleterious"; PolyPhen-2: "Benign"; Align-GVGD: "Class C0"). This variant has not been reported in the literature in individuals with SCN1B-related conditions. This variant is present in population databases (rs121434627, ExAC 0.006%). This sequence change replaces glutamic acid with lysine at codon 87 of the SCN1B protein (p.Glu87Lys). The glutamic acid residue is highly conserved and there is a small physicochemical difference between glutamic acid and lysine.

NM_001037.5(SCN1B):c.259G>A (p.Glu87Lys)

Gene: SCN1B (sodium voltage-gated channel beta subunit 1; plus strand). Cytogenetic location: 19q13.11.
Variant type: single nucleotide variant.
Coding change: c.259G>A on transcript NM_001037.5 (MANE Select); coding-DNA position 259, G replaced by A.
Protein change: p.Glu87Lys; replaces glutamic acid 87 with lysine.
Molecular consequence: missense variant.
Genome position (GRCh38, 1-based): chr19:35,033,550, G>A. VCF-style: chr19-35033550-G-A. GRCh37 (hg19) VCF-style: chr19-35524454-G-A.
Other names: c.160G>A, p.Glu54Lys (NM_001321605.2); c.259G>A, p.Glu87Lys (NM_199037.5); short protein forms E87K, E54K.
Identifiers: ClinVar variation 1037537 (VCV001037537.8), dbSNP rs121434627, ClinGen allele CA9371997.